The following is an entry in ClinVar:

ClinVar aggregate classification (germline): other (0 of 4 stars; one submission).

Conditions:
Familial colorectal cancer. Identifiers: MedGen CN280943, MONDO:0023113. Disease mechanism: loss of function.

Allele frequency attached by ClinVar (database versions not stated): TOPMed 0.00002.
gnomAD v4.1: 2 of 151,216 alleles (0.0013%); highest among the groups gnomAD compares: African/African-American, 0.0049%; no homozygotes.

Submission:

Systems Biology Platform Zhejiang California International NanoSystems Institute
Classification: other for Familial colorectal cancer. Review status: no assertion criteria provided. Collection method: not provided. Allele origin: unknown.
ClinVar note: Converted during submission from cancer to other.

NM_000038.6(APC):c.135+3728A>C

Gene: APC (APC regulator of WNT signaling pathway; plus strand). Cytogenetic location: 5q22.2.
Variant type: single nucleotide variant.
Coding change: c.135+3728A>C on transcript NM_000038.6 (MANE Select); 3728 bases into the intron after coding-DNA position 135, A replaced by C.
Molecular consequence: intron variant.
Genome position (GRCh38, 1-based): chr5:112,758,753, A>C. VCF-style: chr5-112758753-A-C. GRCh37 (hg19) VCF-style: chr5-112094450-A-C.
Other names: c.135+3728A>C (NM_001354895.2, NM_001127510.3, NM_001354896.2 and 2 more transcripts); c.166-7573A>C (NM_001354897.2, NM_001354902.2, NM_001127511.3); c.61-7573A>C (NM_001354898.2, NM_001354904.2); c.-901+3728A>C (NM_001354906.2); c.-42-7573A>C (NM_001354900.2, NM_001354901.2, NM_001354905.2).
Identifiers: ClinVar variation 82373 (VCV000082373.2), dbSNP rs75088576, ClinGen allele CA004364.